The following is an entry in ClinVar:

NM_152564.5(VPS13B):c.8098-2A>T

Gene: VPS13B (vacuolar protein sorting 13 homolog B; plus strand). Cytogenetic location: 8q22.2.
Variant type: single nucleotide variant.
Coding change: c.8098-2A>T on transcript NM_152564.5 (MANE Select); the canonical splice acceptor site of the intron before coding-DNA position 8098, A replaced by T.
Molecular consequence: splice acceptor variant.
Genome position (GRCh38, 1-based): chr8:99,817,538, A>T. VCF-style: chr8-99817538-A-T. GRCh37 (hg19) VCF-style: chr8-100829766-A-T.
Other names: c.8173-2A>T (NM_017890.5).
Identifiers: ClinVar variation 4063217 (VCV004063217.2).
Genomic context (GRCh38, chr8:99,817,538, plus strand): 5'-AACATATTTCCAGTTAATGAAGTCTGAATTGATGAAGCCTTATATACTTAACTGTCTTTT[A>T]GATTATCATCTGTGGAAGACAGATCATCTGTAGTTACTTGTCTCAAAGCATAGAACTAAA-3'

ClinVar aggregate classification (germline): Likely pathogenic (1 of 4 stars; one submission).

Conditions:
Cohen syndrome (COH1). Also called: PEPPER SYNDROME; Cutis verticis gyrata, retinitis pigmentosa, and sensorineural deafness. Identifiers: Orphanet 193, MedGen C0265223, MONDO:0008999, OMIM 216550.

Submission:

Natera, Inc.
Classification: Likely pathogenic for Cohen syndrome. Last evaluated: 2025-02-24. Review status: criteria provided, single submitter. Criteria: Natera Variant Classification Schema (03/2026). Collection method: clinical testing. Allele origin: germline.
Comment: The c.8173-2A>T variant in VPS13B is a canonical splice acceptor site variant predicted to affect pre-mRNA splicing, which may result in an abnormal transcript and altered protein product. This variant is expected to result in nonsense mediated decay, truncation, or a dysfunctional protein product. This variant is rare in the general population with a frequency below the threshold expected for the associated phenotype(s). Given the available evidence, this variant is classified as Likely Pathogenic.